The following is an entry in ClinVar:

ClinVar aggregate classification (germline): Uncertain significance (1 of 4 stars; one submission).

Conditions:
CHARGE syndrome (CHARGE). Also called: Hittner Hirsch Kreh syndrome; CHARGE ASSOCIATION--COLOBOMA, HEART ANOMALY, CHOANAL ATRESIA, RETARDATION, GENITAL AND EAR ANOMALIES; Coloboma, heart anomaly, choanal atresia, retardation, genital and ear anomalies; CHARGE association; Hall-Hittner syndrome. Identifiers: Orphanet 138, MedGen C0265354, MONDO:0008965.

Submission:

Labcorp Genetics (formerly Invitae), Labcorp
Classification: Uncertain significance for CHARGE syndrome. Last evaluated: 2023-06-29. Review status: criteria provided, single submitter. Criteria: Invitae Variant Classification Sherloc (09022015). Collection method: clinical testing. Allele origin: germline.
Comment: In summary, the available evidence is currently insufficient to determine the role of this variant in disease. Therefore, it has been classified as a Variant of Uncertain Significance. Advanced modeling of protein sequence and biophysical properties (such as structural, functional, and spatial information, amino acid conservation, physicochemical variation, residue mobility, and thermodynamic stability) performed at Invitae indicates that this missense variant is not expected to disrupt SEMA3E protein function. This variant has not been reported in the literature in individuals affected with SEMA3E-related conditions. This variant is not present in population databases (gnomAD no frequency). This sequence change replaces isoleucine, which is neutral and non-polar, with valine, which is neutral and non-polar, at codon 464 of the SEMA3E protein (p.Ile464Val).

NM_012431.3(SEMA3E):c.1390A>G (p.Ile464Val)

Gene: SEMA3E (semaphorin 3E; minus strand). Cytogenetic location: 7q21.11.
Variant type: single nucleotide variant.
Coding change: c.1390A>G on transcript NM_012431.3 (MANE Select); coding-DNA position 1390, A replaced by G.
Protein change: p.Ile464Val; replaces isoleucine 464 with valine.
Molecular consequence: missense variant.
Genome position (GRCh38, 1-based): chr7:83,396,706, T>C on the plus strand (A>G on the coding strand, the complement: SEMA3E is on the minus strand). VCF-style: chr7-83396706-T-C. GRCh37 (hg19) VCF-style: chr7-83026022-T-C.
Other names: c.1210A>G, p.Ile404Val (NM_001178129.2); short protein forms I464V, I404V.
Identifiers: ClinVar variation 3002986 (VCV003002986.3), dbSNP rs2484300208, ClinGen allele CA367925419.